The following is an entry in ClinVar:

NM_002204.4(ITGA3):c.2219+1G>A

Gene: ITGA3 (integrin subunit alpha 3; plus strand). Cytogenetic location: 17q21.33.
Variant type: single nucleotide variant.
Coding change: c.2219+1G>A on transcript NM_002204.4 (MANE Select); the canonical splice donor site of the intron after coding-DNA position 2219, G replaced by A.
Molecular consequence: splice donor variant.
Genome position (GRCh38, 1-based): chr17:50,078,126, G>A. VCF-style: chr17-50078126-G-A. GRCh37 (hg19) VCF-style: chr17-48155490-G-A.
Other names: c.2219+1G>A (NM_002204.3).
Identifiers: ClinVar variation 2781185 (VCV002781185.4), dbSNP rs200623247, ClinGen allele CA8641853.

ClinVar aggregate classification (germline): Likely pathogenic. Review status: criteria provided, single submitter (1 of 4 stars). 2 submissions from 2 submitters: Likely pathogenic (1). 1 of the submissions does not count toward it. Last evaluated 2024-03-04.

Conditions:
ITGA3-related disorder. Also called: ITGA3-related condition.

Allele frequency attached by ClinVar (database versions not stated): gnomAD exomes below 0.00001; ExAC 0.00001; gnomAD 0.00001; 1000 Genomes Project 30x 0.00016; 1000 Genomes Project 0.00020.
gnomAD v4.1: 6 of 1,613,612 alleles (0.00037%); highest among the groups gnomAD compares: African/African-American, 0.0013%; no homozygotes.

Submissions (2):

Labcorp Genetics (formerly Invitae), Labcorp
Classification: Likely pathogenic. Last evaluated: 2024-03-04. Review status: criteria provided, single submitter. Criteria: Invitae Variant Classification Sherloc (09022015). Collection method: clinical testing. Allele origin: germline.
Comment: This sequence change affects a donor splice site in intron 17 of the ITGA3 gene. It is expected to disrupt RNA splicing. Variants that disrupt the donor or acceptor splice site typically lead to a loss of protein function (PMID: 16199547), and loss-of-function variants in ITGA3 are known to be pathogenic (PMID: 22512483). This variant is not present in population databases (gnomAD no frequency). This variant has not been reported in the literature in individuals affected with ITGA3-related conditions. Algorithms developed to predict the effect of sequence changes on RNA splicing suggest that this variant may disrupt the consensus splice site. In summary, the currently available evidence indicates that the variant is pathogenic, but additional data are needed to prove that conclusively. Therefore, this variant has been classified as Likely Pathogenic.

PreventionGenetics, part of Exact Sciences
Classification: Likely pathogenic for ITGA3-related condition. Last evaluated: 2024-04-16. Review status: no assertion criteria provided. Collection method: clinical testing. Allele origin: germline. Not counted in ClinVar's aggregate classification.
Comment: The ITGA3 c.2219+1G>A variant is predicted to disrupt the GT donor site and interfere with normal splicing. To our knowledge, this variant has not been reported in the literature. This variant is reported in 0.0062% of alleles in individuals of African descent in gnomAD. Variants that disrupt the consensus splice donor site in ITGA3 are expected to be pathogenic. This variant is interpreted as likely pathogenic.

Literature cited by the submitters: PubMed 16199547 (cited by Labcorp Genetics (formerly Invitae), Labcorp); PubMed 22512483 (cited by Labcorp Genetics (formerly Invitae), Labcorp).